The following is an entry in ClinVar:

NM_001128840.3(CACNA1D):c.3836G>A (p.Gly1279Asp)

Gene: CACNA1D (calcium voltage-gated channel subunit alpha1 D; plus strand). Cytogenetic location: 3p21.1.
Variant type: single nucleotide variant.
Coding change: c.3836G>A on transcript NM_001128840.3 (MANE Select); coding-DNA position 3836, G replaced by A.
Protein change: p.Gly1279Asp; replaces glycine 1279 with aspartic acid.
Molecular consequence: missense variant.
Genome position (GRCh38, 1-based): chr3:53,762,047, G>A. VCF-style: chr3-53762047-G-A. GRCh37 (hg19) VCF-style: chr3-53796074-G-A.
Other names: c.3896G>A, p.Gly1299Asp (NM_000720.4); c.3836G>A, p.Gly1279Asp (NM_001128839.3); short protein forms G1299D, G1279D.
Identifiers: ClinVar variation 2041911 (VCV002041911.4), dbSNP rs2474108955, ClinGen allele CA353254455.
Genomic context (GRCh38, chr3:53,762,047, plus strand): 5'-GCTCTGTCCAGGGGTATTTTAGTGACGCCTGGAACACGTTTGACTCCCTCATCGTAATCG[G>A]CAGCATTATAGACGTGGCCCTCAGCGAAGCAGACGTGAGTATGCACCTGGCGTGGCCGCC-3'
Protein context (NP_001122312.1, residues 1269-1289): WNTFDSLIVI[Gly1279Asp]SIIDVALSEA

ClinVar aggregate classification (germline): Uncertain significance (1 of 4 stars; one submission).

Submission:

Labcorp Genetics (formerly Invitae), Labcorp
Classification: Uncertain significance. Last evaluated: 2021-12-13. Review status: criteria provided, single submitter. Criteria: Invitae Variant Classification Sherloc (09022015). Collection method: clinical testing. Allele origin: germline.
Comment: This sequence change replaces glycine, which is neutral and non-polar, with aspartic acid, which is acidic and polar, at codon 1299 of the CACNA1D protein (p.Gly1299Asp). This variant is not present in population databases (gnomAD no frequency). This variant has not been reported in the literature in individuals affected with CACNA1D-related conditions. Algorithms developed to predict the effect of missense changes on protein structure and function (SIFT, PolyPhen-2, Align-GVGD) all suggest that this variant is likely to be disruptive. In summary, the available evidence is currently insufficient to determine the role of this variant in disease. Therefore, it has been classified as a Variant of Uncertain Significance.